The following is an entry in ClinVar:

ClinVar aggregate classification (germline): Uncertain significance (1 of 4 stars; one submission).

Conditions:
Schuurs-Hoeijmakers syndrome. Also called: PACS1-Related Neurodevelopmental Disorder. Identifiers: Orphanet 329224, MedGen C3554343, MONDO:0014006, OMIM 615009.

gnomAD v4.1: 1 of 1,613,820 alleles (0.000062%); highest among the groups gnomAD compares: East Asian, 0.0022%; no homozygotes.

Submission:

Labcorp Genetics (formerly Invitae), Labcorp
Classification: Uncertain significance for Schuurs-Hoeijmakers syndrome. Last evaluated: 2025-02-16. Review status: criteria provided, single submitter. Criteria: Invitae Variant Classification Sherloc (09022015). Collection method: clinical testing. Allele origin: germline.
Comment: This sequence change falls in intron 23 of the PACS1 gene. It does not directly change the encoded amino acid sequence of the PACS1 protein. This variant is not present in population databases (gnomAD no frequency). This variant has not been reported in the literature in individuals affected with PACS1-related conditions. Algorithms developed to predict the effect of sequence changes on RNA splicing suggest that this variant may create or strengthen a splice site. In summary, the available evidence is currently insufficient to determine the role of this variant in disease. Therefore, it has been classified as a Variant of Uncertain Significance.

NM_018026.4(PACS1):c.2776+10C>T

Gene: PACS1 (phosphofurin acidic cluster sorting protein 1; plus strand). Cytogenetic location: 11q13.2.
Variant type: single nucleotide variant.
Coding change: c.2776+10C>T on transcript NM_018026.4 (MANE Select); 10 bases into the intron after coding-DNA position 2776, C replaced by T.
Molecular consequence: intron variant.
Genome position (GRCh38, 1-based): chr11:66,243,041, C>T. VCF-style: chr11-66243041-C-T. GRCh37 (hg19) VCF-style: chr11-66010512-C-T.
Identifiers: ClinVar variation 4768587 (VCV004768587.1).
Genomic context (GRCh38, chr11:66,243,041, plus strand): 5'-GCATCAGCCGCCTCATCTGCTCAGCCAAGCAGCAGCAGACTATGCTGAGAGGTGCGAGGG[C>T]AGGCAGGGCCGGGAGGAGGGCAAGAAAGGGACTGGAGAGGGAGGCAGGCAATGGCCTTTC-3'